The following is an entry in ClinVar:

NM_001613.4(ACTA2):c.83C>A (p.Ala28Asp)

Gene: ACTA2 (actin alpha 2, smooth muscle; minus strand). Cytogenetic location: 10q23.31.
Variant type: single nucleotide variant.
Coding change: c.83C>A on transcript NM_001613.4 (MANE Select); coding-DNA position 83, C replaced by A.
Protein change: p.Ala28Asp; replaces alanine 28 with aspartic acid.
Molecular consequence: missense variant.
Genome position (GRCh38, 1-based): chr10:88,948,848, G>T on the plus strand (C>A on the coding strand, the complement: ACTA2 is on the minus strand). VCF-style: chr10-88948848-G-T. GRCh37 (hg19) VCF-style: chr10-90708605-G-T.
Other names: c.83C>A, p.Ala28Asp (NM_001141945.3, NM_001320855.2, NM_001406462.1 and 7 more transcripts); short protein forms A28D.
Identifiers: ClinVar variation 3071301 (VCV003071301.1), dbSNP rs886038855, ClinGen allele CA377513675.

ClinVar aggregate classification (germline): Uncertain significance (1 of 4 stars; one submission).

Conditions:
Familial thoracic aortic aneurysm and aortic dissection (TAAD). Also called: Thoracic aortic aneurysms and dissections. Identifiers: Orphanet 91387, MedGen C4707243, MONDO:0019625.

Submission:

All of Us Research Program, National Institutes of Health
Classification: Uncertain significance for Familial thoracic aortic aneurysm and aortic dissection. Last evaluated: 2023-05-31. Review status: criteria provided, single submitter. Criteria: ACMG Guidelines, 2015. Collection method: clinical testing. Allele origin: germline. Inheritance: Autosomal dominant inheritance. Observed: 1 variant allele, 1 heterozygote.
Comment: This study involves interpretation of variants in research participants for the purpose of population health screening. Participant phenotype was not available at the time of variant classification. Additional details can be found in publication PMID: 35346344, PMCID: PMC8962531